The following is an entry in ClinVar:

ClinVar aggregate classification (germline): Likely benign (0 of 4 stars; one submission).

Conditions:
HDLBP-related disorder. Also called: HDLBP-related condition.

Allele frequency attached by ClinVar (database versions not stated): gnomAD 0.00005; TOPMed 0.00006; ExAC 0.00010; gnomAD exomes 0.00021.
gnomAD v4.1: 307 of 1,614,132 alleles (0.019%); highest among the groups gnomAD compares: South Asian, 0.034%; no homozygotes.

Submission:

PreventionGenetics, part of Exact Sciences
Classification: Likely benign for HDLBP-related condition. Last evaluated: 2019-04-25. Review status: no assertion criteria provided. Collection method: clinical testing. Allele origin: germline.
Comment: This variant is classified as likely benign based on ACMG/AMP sequence variant interpretation guidelines (Richards et al. 2015 PMID: 25741868, with internal and published modifications).

NM_005336.6(HDLBP):c.786C>T (p.Ser262=)

Gene: HDLBP (high density lipoprotein binding protein; minus strand). Cytogenetic location: 2q37.3.
Variant type: single nucleotide variant.
Coding change: c.786C>T on transcript NM_005336.6 (MANE Select); coding-DNA position 786, C replaced by T.
Protein change: p.Ser262=; no amino-acid change (serine 262 retained).
Molecular consequence: synonymous variant.
Genome position (GRCh38, 1-based): chr2:241,256,271, G>A on the plus strand (C>T on the coding strand, the complement: HDLBP is on the minus strand). VCF-style: chr2-241256271-G-A. GRCh37 (hg19) VCF-style: chr2-242195686-G-A.
Other names: c.894C>T, p.Ser298= (NM_001243900.3); c.786C>T, p.Ser262= (NM_001320965.3, NM_001320966.3, NM_001320967.3 and 1 more transcripts).
Identifiers: ClinVar variation 3047869 (VCV003047869.2), dbSNP rs754361840, ClinGen allele CA2216855.